The following is an entry in ClinVar:

NM_001364857.2(ADGRB2):c.11C>T (p.Thr4Ile)

Gene: ADGRB2 (adhesion G protein-coupled receptor B2; minus strand). Cytogenetic location: 1p35.2.
Variant type: single nucleotide variant.
Coding change: c.11C>T on transcript NM_001364857.2 (MANE Select); coding-DNA position 11, C replaced by T.
Protein change: p.Thr4Ile; replaces threonine 4 with isoleucine.
Molecular consequence: missense variant.
Genome position (GRCh38, 1-based): chr1:31,757,211, G>A on the plus strand (C>T on the coding strand, the complement: ADGRB2 is on the minus strand). VCF-style: chr1-31757211-G-A. GRCh37 (hg19) VCF-style: chr1-32222812-G-A.
Other names: c.11C>T, p.Thr4Ile (NM_001294335.2, NM_001294336.2, NM_001703.2); short protein forms T4I.
Identifiers: ClinVar variation 2178028 (VCV002178028.3), dbSNP rs766288842, ClinGen allele CA736231.

ClinVar aggregate classification (germline): Uncertain significance. Review status: criteria provided, multiple submitters, no conflicts (2 of 4 stars). 2 submissions from 2 submitters: Uncertain significance (2). Last evaluated 2025-01-21.

Allele frequency attached by ClinVar (database versions not stated): gnomAD 0.00004; TOPMed 0.00006; gnomAD exomes 0.00014; ExAC 0.00026.

Submissions (2):

Ambry Genetics
Classification: Uncertain significance. Last evaluated: 2025-01-21. Review status: criteria provided, single submitter. Criteria: Ambry Variant Classification Scheme 2023. Collection method: clinical testing. Allele origin: germline.

Labcorp Genetics (formerly Invitae), Labcorp
Classification: Uncertain significance. Last evaluated: 2021-09-17. Review status: criteria provided, single submitter. Criteria: Invitae Variant Classification Sherloc (09022015). Collection method: clinical testing. Allele origin: germline.
Comment: This sequence change replaces threonine with isoleucine at codon 4 of the ADGRB2 protein (p.Thr4Ile). The threonine residue is weakly conserved and there is a moderate physicochemical difference between threonine and isoleucine. This variant is present in population databases (rs766288842, ExAC 0.05%). This variant has not been reported in the literature in individuals with ADGRB2-related conditions. Algorithms developed to predict the effect of missense changes on protein structure and function are either unavailable or do not agree on the potential impact of this missense change (SIFT: "Deleterious"; PolyPhen-2: "Benign"; Align-GVGD: "Class C0"). In summary, the available evidence is currently insufficient to determine the role of this variant in disease. Therefore, it has been classified as a Variant of Uncertain Significance.